The following is an entry in ClinVar:

ClinVar aggregate classification (germline): Uncertain significance. Review status: criteria provided, multiple submitters, no conflicts (2 of 4 stars). 4 submissions from 4 submitters: Uncertain significance (4). Last evaluated 2025-10-03.

Conditions:
Inborn genetic diseases. Identifiers: MedGen C0950123, MeSH D030342.
Autosomal recessive limb-girdle muscular dystrophy type 2L (LGMDR12). Also called: Limb-Girdle Muscular Dystrophy R12 Anoctamin-5-Related (LGMD-R12); Limb-girdle muscular dystrophy, type 2L; MUSCULAR DYSTROPHY, LIMB-GIRDLE, AUTOSOMAL RECESSIVE 12. Identifiers: Orphanet 206549, MedGen C1969785, MONDO:0012652, OMIM 611307.
Gnathodiaphyseal dysplasia (GDD). Also called: GNATHODIAPHYSEAL SCLEROSIS; OSTEOGENESIS IMPERFECTA WITH UNUSUAL SKELETAL LESIONS. Identifiers: Orphanet 53697, MedGen C1833736, MONDO:0008151, OMIM 166260.

Allele frequency attached by ClinVar (database versions not stated): gnomAD exomes below 0.00001 and 0.00001; ExAC 0.00002; TOPMed 0.00005; gnomAD 0.00007 and 0.00008; 1000 Genomes Project 0.00020; 1000 Genomes Project 30x 0.00031.

Submissions (4):

Labcorp Genetics (formerly Invitae), Labcorp
Classification: Uncertain significance for Autosomal recessive limb-girdle muscular dystrophy type 2L; Gnathodiaphyseal dysplasia. Last evaluated: 2025-10-03. Review status: criteria provided, single submitter. Criteria: Invitae Variant Classification Sherloc (09022015). Collection method: clinical testing. Allele origin: germline.
Comment: This sequence change replaces methionine, which is neutral and non-polar, with threonine, which is neutral and polar, at codon 477 of the ANO5 protein (p.Met477Thr). This variant is present in population databases (rs149017832, gnomAD 0.02%). This variant has not been reported in the literature in individuals affected with ANO5-related conditions. ClinVar contains an entry for this variant (Variation ID: 468832). Invitae Evidence Modeling of protein sequence and biophysical properties (such as structural, functional, and spatial information, amino acid conservation, physicochemical variation, residue mobility, and thermodynamic stability) has been performed for this missense variant. However, the output from this modeling did not meet the statistical confidence thresholds required to predict the impact of this variant on ANO5 protein function. In summary, the available evidence is currently insufficient to determine the role of this variant in disease. Therefore, it has been classified as a Variant of Uncertain Significance.

Ambry Genetics
Classification: Uncertain significance for Inborn genetic diseases. Last evaluated: 2022-05-27. Review status: criteria provided, single submitter. Criteria: Ambry Variant Classification Scheme 2023. Collection method: clinical testing. Allele origin: germline.

Revvity Omics, Revvity
Classification: Uncertain significance. Last evaluated: 2021-09-08. Review status: criteria provided, single submitter. Criteria: ACMG Guidelines, 2015. Collection method: clinical testing. Allele origin: germline.

Eurofins Ntd Llc (ga)
Classification: Uncertain significance. Last evaluated: 2018-03-27. Review status: criteria provided, single submitter. Criteria: EGL ClinVar v180209 classification definitions. Collection method: clinical testing. Allele origin: germline. Observed: 1 variant allele, 1 heterozygote.

NM_213599.3(ANO5):c.1430T>C (p.Met477Thr)

Gene: ANO5 (anoctamin 5; plus strand). Cytogenetic location: 11p14.3.
Variant type: single nucleotide variant.
Coding change: c.1430T>C on transcript NM_213599.3 (MANE Select); coding-DNA position 1430, T replaced by C.
Protein change: p.Met477Thr; replaces methionine 477 with threonine.
Molecular consequence: missense variant.
Genome position (GRCh38, 1-based): chr11:22,259,541, T>C. VCF-style: chr11-22259541-T-C. GRCh37 (hg19) VCF-style: chr11-22281087-T-C.
Other names: c.1427T>C, p.Met476Thr (NM_001142649.2); short protein forms M477T, M476T.
Identifiers: ClinVar variation 468832 (VCV000468832.16), dbSNP rs149017832, ClinGen allele CA5923261.
Genomic context (GRCh38, chr11:22,259,541, plus strand): 5'-AGAGACCCAAATAGCAGTTCTTTGTTTTCCTTTCCCAGATGTCTCTTGTCGTCACCAGTA[T>C]GGTAGCTGTAATTGTGTACCGCCTGTCAGTCTTTGCTACATTTGCTAGTTTCATGGAAAG-3'
Protein context (NP_998764.1, residues 467-487): TLWMSLVVTS[Met477Thr]VAVIVYRLSV